The following is an entry in ClinVar:

ClinVar aggregate classification (germline): Benign/Likely benign. Review status: criteria provided, multiple submitters, no conflicts (2 of 4 stars). 2 submissions from 2 submitters: Benign (1); Likely benign (1). Last evaluated 2022-04-01.

Allele frequency attached by ClinVar (database versions not stated): gnomAD exomes 0.00023 and 0.00041; ExAC 0.00050; TOPMed 0.00177; ESP Exome Variant Server 0.00178; gnomAD 0.00187 and 0.00191; 1000 Genomes Project 0.00280; 1000 Genomes Project 30x 0.00328.
gnomAD v4.1: 625 of 1,612,878 alleles (0.039%); highest among the groups gnomAD compares: African/African-American, 0.71%; 5 homozygotes.

Submissions (2):

CeGaT Center for Human Genetics Tuebingen
Classification: Likely benign. Last evaluated: 2022-04-01. Review status: criteria provided, single submitter. Criteria: CeGaT Center For Human Genetics Tuebingen Variant Classification Criteria Version 2. Collection method: clinical testing. Allele origin: germline. Affected: yes. Observed: 1 variant allele.
Comment: NOTCH4: BP4, BP7

Labcorp Genetics (formerly Invitae), Labcorp
Classification: Benign. Last evaluated: 2019-12-31. Review status: criteria provided, single submitter. Criteria: Invitae Variant Classification Sherloc (09022015). Collection method: clinical testing. Allele origin: germline.

NM_004557.4(NOTCH4):c.4407G>A (p.Gln1469=)

Gene: NOTCH4 (notch receptor 4; minus strand). Cytogenetic location: 6p21.32.
Variant type: single nucleotide variant.
Coding change: c.4407G>A on transcript NM_004557.4 (MANE Select); coding-DNA position 4407, G replaced by A.
Protein change: p.Gln1469=; no amino-acid change (glutamine 1469 retained).
Molecular consequence: synonymous variant. On other transcripts: non-coding transcript variant (2).
Genome position (GRCh38, 1-based): chr6:32,199,054, C>T on the plus strand (G>A on the coding strand, the complement: NOTCH4 is on the minus strand). VCF-style: chr6-32199054-C-T. GRCh37 (hg19) VCF-style: chr6-32166831-C-T.
Identifiers: ClinVar variation 732463 (VCV000732463.28), dbSNP rs11967083, ClinGen allele CA3739269.